The following is an entry in ClinVar:

ClinVar aggregate classification (germline): Uncertain significance (1 of 4 stars; one submission).

Submission:

GeneDx
Classification: Uncertain significance. Last evaluated: 2019-10-08. Review status: criteria provided, single submitter. Criteria: GeneDx Variant Classification Process June 2021. Collection method: clinical testing. Allele origin: germline. Affected: yes.
Comment: Not observed in large population cohorts (Lek et al., 2016); In silico analysis, which includes protein predictors and evolutionary conservation, supports that this variant does not alter protein structure/function; Has not been previously published as pathogenic or benign to our knowledge

NM_182641.4(BPTF):c.1738A>C (p.Lys580Gln)

Gene: BPTF (bromodomain PHD finger transcription factor; plus strand). Cytogenetic location: 17q24.2.
Variant type: single nucleotide variant.
Coding change: c.1738A>C on transcript NM_182641.4 (MANE Select); coding-DNA position 1738, A replaced by C.
Protein change: p.Lys580Gln; replaces lysine 580 with glutamine.
Molecular consequence: missense variant.
Genome position (GRCh38, 1-based): chr17:67,874,894, A>C. VCF-style: chr17-67874894-A-C. GRCh37 (hg19) VCF-style: chr17-65871010-A-C.
Other names: c.1738A>C, p.Lys580Gln (NM_004459.7); short protein forms K580Q.
Identifiers: ClinVar variation 1312228 (VCV001312228.2), dbSNP rs868522803, ClinGen allele CA400714320.